The following is an entry in ClinVar:

NM_000181.4(GUSB):c.510C>T (p.Ile170=)

Gene: GUSB (glucuronidase beta; minus strand). Cytogenetic location: 7q11.21.
Variant type: single nucleotide variant.
Coding change: c.510C>T on transcript NM_000181.4 (MANE Select); coding-DNA position 510, C replaced by T.
Protein change: p.Ile170=; no amino-acid change (isoleucine 170 retained).
Molecular consequence: synonymous variant. On other transcripts: non-coding transcript variant (1), intron variant (3).
Genome position (GRCh38, 1-based): chr7:65,979,798, G>A on the plus strand (C>T on the coding strand, the complement: GUSB is on the minus strand). VCF-style: chr7-65979798-G-A. GRCh37 (hg19) VCF-style: chr7-65444785-G-A.
Other names: c.67+426C>T (NM_001293105.2); c.12-257C>T (NM_001293104.2); c.474+36C>T (NM_001284290.2).
Identifiers: ClinVar variation 729986 (VCV000729986.11), dbSNP rs752674900, ClinGen allele CA4276620.

ClinVar aggregate classification (germline): Likely benign. Review status: criteria provided, multiple submitters, no conflicts (2 of 4 stars). 2 submissions from 2 submitters: Likely benign (2). Last evaluated 2026-08-21.

Conditions:
GUSB-related disorder. Also called: GUSB-related condition.
Mucopolysaccharidosis type 7 (MPS7). Also called: MPS VII; GUSB DEFICIENCY; SLY SYNDROME; BETA-GLUCURONIDASE DEFICIENCY. Identifiers: Orphanet 584, MedGen C0085132, MONDO:0009662, OMIM 253220.

Allele frequency attached by ClinVar (database versions not stated): ExAC 0.00001; gnomAD exomes 0.00003 and 0.00006; gnomAD 0.00004; TOPMed 0.00008.
gnomAD v4.1: 89 of 1,613,724 alleles (0.0055%); highest among the groups gnomAD compares: African/African-American, 0.008%; no homozygotes.

Submissions (2):

PreventionGenetics, part of Exact Sciences
Classification: Likely benign for GUSB-related condition. Last evaluated: 2026-08-21. Review status: criteria provided, single submitter. Criteria: ACMG Guidelines, 2015. Collection method: clinical testing. Allele origin: germline.
Comment: This variant is classified as likely benign based on ACMG/AMP sequence variant interpretation guidelines (Richards et al. 2015 PMID: 25741868, with internal and published modifications).

Labcorp Genetics (formerly Invitae), Labcorp
Classification: Likely benign for Mucopolysaccharidosis type 7. Last evaluated: 2025-02-25. Review status: criteria provided, single submitter. Criteria: Invitae Variant Classification Sherloc (09022015). Collection method: clinical testing. Allele origin: germline.